The following is an entry in ClinVar:

ClinVar aggregate classification (germline): Uncertain significance. Review status: criteria provided, multiple submitters, no conflicts (2 of 4 stars). 2 submissions from 2 submitters: Uncertain significance (2). Last evaluated 2025-10-21.

Allele frequency attached by ClinVar (database versions not stated): gnomAD 0.00003; ESP Exome Variant Server 0.00008.
gnomAD v4.1: 27 of 1,613,040 alleles (0.0017%); highest among the groups gnomAD compares: African/African-American, 0.0027%; no homozygotes.

Submissions (2):

Labcorp Genetics (formerly Invitae), Labcorp
Classification: Uncertain significance. Last evaluated: 2025-10-21. Review status: criteria provided, single submitter. Criteria: Invitae Variant Classification Sherloc (09022015). Collection method: clinical testing. Allele origin: germline.
Comment: This sequence change replaces valine, which is neutral and non-polar, with methionine, which is neutral and non-polar, at codon 154 of the ARHGEF1 protein (p.Val154Met). This variant is present in population databases (rs368913647, gnomAD 0.007%). This variant has not been reported in the literature in individuals affected with ARHGEF1-related conditions. ClinVar contains an entry for this variant (Variation ID: 1966208). An algorithm developed to predict the effect of missense changes on protein structure and function outputs the following: PolyPhen-2: "Benign". The methionine amino acid residue is found in multiple mammalian species, which suggests that this missense change does not adversely affect protein function. In summary, the available evidence is currently insufficient to determine the role of this variant in disease. Therefore, it has been classified as a Variant of Uncertain Significance.

Ambry Genetics
Classification: Uncertain significance. Last evaluated: 2025-09-22. Review status: criteria provided, single submitter. Criteria: Ambry Variant Classification Scheme 2023. Collection method: clinical testing. Allele origin: germline.

NM_004706.4(ARHGEF1):c.415G>A (p.Val139Met)

Gene: ARHGEF1 (Rho guanine nucleotide exchange factor 1; plus strand). Cytogenetic location: 19q13.2.
Variant type: single nucleotide variant.
Coding change: c.415G>A on transcript NM_004706.4 (MANE Select); coding-DNA position 415, G replaced by A.
Protein change: p.Val139Met; replaces valine 139 with methionine.
Molecular consequence: missense variant. On other transcripts: non-coding transcript variant (2).
Genome position (GRCh38, 1-based): chr19:41,892,650, G>A. VCF-style: chr19-41892650-G-A. GRCh37 (hg19) VCF-style: chr19-42396721-G-A.
Other names: c.415G>A, p.Val139Met (NM_001396000.1, NM_001396003.1, NM_001396006.1); c.316G>A, p.Val106Met (NM_001396002.1, NM_001396004.1, NM_198977.2); c.460G>A, p.Val154Met (NM_199002.2); c.460G>A (NM_199002.1); short protein forms V106M, V139M, V154M.
Identifiers: ClinVar variation 1966208 (VCV001966208.6), dbSNP rs368913647, ClinGen allele CA9465911.